The following is an entry in ClinVar:

ClinVar aggregate classification (germline): Uncertain significance. Review status: criteria provided, single submitter (1 of 4 stars). 2 submissions from 2 submitters: Uncertain significance (1). 1 of the submissions does not count toward it. Last evaluated 2022-02-11.

Conditions:
ERC1-related disorder. Also called: ERC1-related condition.

Allele frequency attached by ClinVar (database versions not stated): gnomAD 0.00025; ExAC 0.00028; TOPMed 0.00030; ESP Exome Variant Server 0.00031; gnomAD exomes 0.00040.
gnomAD v4.1: 607 of 1,588,496 alleles (0.038%); highest among the groups gnomAD compares: Middle Eastern, 0.12%; 1 homozygote.

Submissions (2):

Ambry Genetics
Classification: Uncertain significance. Last evaluated: 2022-02-11. Review status: criteria provided, single submitter. Criteria: Ambry Variant Classification Scheme 2023. Collection method: clinical testing. Allele origin: germline.

PreventionGenetics, part of Exact Sciences
Classification: Likely benign for ERC1-related condition. Last evaluated: 2019-03-20. Review status: no assertion criteria provided. Collection method: clinical testing. Allele origin: germline. Not counted in ClinVar's aggregate classification.
Comment: This variant is classified as likely benign based on ACMG/AMP sequence variant interpretation guidelines (Richards et al. 2015 PMID: 25741868, with internal and published modifications).

NM_178040.4(ERC1):c.2122G>C (p.Glu708Gln)

Gene: ERC1 (ELKS/RAB6-interacting/CAST family member 1; plus strand). Cytogenetic location: 12p13.33.
Variant type: single nucleotide variant.
Coding change: c.2122G>C on transcript NM_178040.4 (MANE Select); coding-DNA position 2122, G replaced by C.
Protein change: p.Glu708Gln; replaces glutamic acid 708 with glutamine.
Molecular consequence: missense variant. On other transcripts: non-coding transcript variant (3).
Genome position (GRCh38, 1-based): chr12:1,183,386, G>C. VCF-style: chr12-1183386-G-C. GRCh37 (hg19) VCF-style: chr12-1292552-G-C.
Other names: c.2122G>C, p.Glu708Gln (NM_001301248.1); c.2038G>C, p.Glu680Gln (NM_015064.2, NM_178037.1, NM_178039.4); c.2122G>C (NM_178040.3); short protein forms E680Q, E708Q.
Identifiers: ClinVar variation 2311343 (VCV002311343.4), dbSNP rs61758142, ClinGen allele CA6384629.